The following is an entry in ClinVar:

NM_015697.9(COQ2):c.64A>C (p.Arg22=)

Genes: COQ2 (coenzyme Q2, polyprenyltransferase; minus strand), LOC112997540 (Sharpr-MPRA regulatory region 13773; plus strand). Cytogenetic location: 4q21.23.
Variant type: single nucleotide variant.
Coding change: c.64A>C on transcript NM_015697.9; coding-DNA position 64, A replaced by C.
Protein change: p.Arg22=; no amino-acid change (arginine 22 retained).
Molecular consequence: synonymous variant.
Genome position (GRCh38, 1-based): chr4:83,284,851, T>G on the plus strand (A>C on the coding strand, the complement: COQ2 is on the minus strand). VCF-style: chr4-83284851-T-G. GRCh37 (hg19) VCF-style: chr4-84206004-T-G.
Other names: p.R22R:AGA>CGA; p.Arg22=.
Identifiers: ClinVar variation 136977 (VCV000136977.19), dbSNP rs112033303, ClinGen allele CA290428.

ClinVar aggregate classification (germline): Benign/Likely benign. Review status: criteria provided, multiple submitters, no conflicts (2 of 4 stars). 5 submissions from 5 submitters: Benign (4); Likely benign (1). Last evaluated 2026-01-26.

Allele frequency attached by ClinVar (database versions not stated): 1000 Genomes Project 30x 0.00047; TOPMed 0.00144.
gnomAD v4.1: 826 of 1,547,008 alleles (0.053%); highest among the groups gnomAD compares: Admixed American, 1.5%; 12 homozygotes.

Submissions (5):

Labcorp Genetics (formerly Invitae), Labcorp
Classification: Benign. Last evaluated: 2026-01-26. Review status: criteria provided, single submitter. Criteria: Invitae Variant Classification Sherloc (09022015). Collection method: clinical testing. Allele origin: germline.

ARUP Laboratories, Molecular Genetics and Genomics, ARUP Laboratories
Classification: Benign. Last evaluated: 2023-09-13. Review status: criteria provided, single submitter. Criteria: ARUP Molecular Germline Variant Investigation Process 2024. Collection method: clinical testing. Allele origin: germline.

Mayo Clinic Laboratories, Mayo Clinic
Classification: Benign. Last evaluated: 2022-09-12. Review status: criteria provided, single submitter. Criteria: ACMG Guidelines, 2015. Collection method: clinical testing. Allele origin: germline. Observed: 14 variant alleles.
Comment: BS1, BS2, BP4, BP7

GeneDx
Classification: Benign. Last evaluated: 2014-05-06. Review status: criteria provided, single submitter. Criteria: GeneDx Variant Classification (06012015). Collection method: clinical testing. Allele origin: germline. Affected: yes.
Comment: This variant is considered likely benign or benign based on one or more of the following criteria: it is a conservative change, it occurs at a poorly conserved position in the protein, it is predicted to be benign by multiple in silico algorithms, and/or has population frequency not consistent with disease.

PreventionGenetics, part of Exact Sciences
Classification: Likely benign. Review status: criteria provided, single submitter. Criteria: ACMG Guidelines, 2015. Collection method: clinical testing. Allele origin: germline.